The following is an entry in ClinVar:

NM_001267550.2(TTN):c.103315A>G (p.Thr34439Ala)

Genes: TTN-AS1 (TTN antisense RNA 1; plus strand), TTN (titin; minus strand). Cytogenetic location: 2q31.2.
Variant type: single nucleotide variant.
Coding change: c.103315A>G on transcript NM_001267550.2 (MANE Select); coding-DNA position 103315, A replaced by G.
Protein change: p.Thr34439Ala; replaces threonine 34439 with alanine.
Molecular consequence: missense variant.
Genome position (GRCh38, 1-based): chr2:178,533,300, T>C on the plus strand (A>G on the coding strand, the complement: TTN is on the minus strand). VCF-style: chr2-178533300-T-C. GRCh37 (hg19) VCF-style: chr2-179398027-T-C.
Other names: c.98392A>G, p.Thr32798Ala (NM_001256850.1); c.76120A>G, p.Thr25374Ala (NM_003319.4); c.95611A>G, p.Thr31871Ala (NM_133378.4); c.76495A>G, p.Thr25499Ala (NM_133432.3); c.76696A>G, p.Thr25566Ala (NM_133437.4); short protein forms T25374A, T25499A, T25566A, T31871A, T32798A, T34439A.
Identifiers: ClinVar variation 4790141 (VCV004790141.1).
Genomic context (GRCh38, chr2:178,533,300, plus strand): 5'-TGTACCTCAGGCGTTCCACTTGTAGGTGAGCCTGGCAGCTGGTGGACCCAGCTGTGTTAG[T>C]GGCTGTGACTCTATAATAACCCGTGTCTTCAGGCAAAGTGTCCCTGATGTGCAGAGCATA-3'
Protein context (NP_001254479.2, residues 34429-34449): EDTGYYRVTA[Thr34439Ala]NTAGSTSCQA

ClinVar aggregate classification (germline): Uncertain significance (1 of 4 stars; one submission).

Conditions:
Autosomal recessive limb-girdle muscular dystrophy type 2J (LGMDR10). Also called: Limb-girdle muscular dystrophy, type 2J; MUSCULAR DYSTROPHY, LIMB-GIRDLE, AUTOSOMAL RECESSIVE 10. Identifiers: Orphanet 140922, MedGen C1837342, MONDO:0012127, OMIM 608807.
Dilated cardiomyopathy 1G (CMD1G). Identifiers: Orphanet 154, MedGen C1858763, MONDO:0011400, OMIM 604145.

Submission:

Labcorp Genetics (formerly Invitae), Labcorp
Classification: Uncertain significance for Dilated cardiomyopathy 1G; Autosomal recessive limb-girdle muscular dystrophy type 2J. Last evaluated: 2025-11-16. Review status: criteria provided, single submitter. Criteria: Invitae Variant Classification Sherloc (09022015). Collection method: clinical testing. Allele origin: germline.
Comment: This sequence change replaces threonine, which is neutral and polar, with alanine, which is neutral and non-polar, at codon 34439 of the TTN protein (p.Thr34439Ala). This variant is not present in population databases (gnomAD no frequency). This variant has not been reported in the literature in individuals affected with TTN-related conditions. Experimental studies and prediction algorithms are not available or were not evaluated, and the functional significance of this variant is currently unknown. This variant is located in the M band of TTN (PMID: 25589632). Non-truncating variants in this region may be relevant for neuromuscular disorders, but have not been definitively shown to cause cardiomyopathy (PMID: 23975875). In summary, the available evidence is currently insufficient to determine the role of this variant in disease. Therefore, it has been classified as a Variant of Uncertain Significance.

Literature cited by the submitters: PubMed 25589632; PubMed 23975875.